The following is an entry in ClinVar:

ClinVar aggregate classification (germline): Pathogenic (1 of 4 stars; one submission).

Conditions:
Polycystic kidney disease 2 (PKD2). Also called: POLYCYSTIC KIDNEY DISEASE, ADULT, TYPE II; Polycystic Kidney Disease 2, Autosomal Dominant; POLYCYSTIC KIDNEY DISEASE 2 WITH OR WITHOUT POLYCYSTIC LIVER DISEASE. Identifiers: MedGen C2751306, MONDO:0013131, OMIM 613095.

Submission:

Centre for Mendelian Genomics, University Medical Centre Ljubljana
Classification: Pathogenic for Polycystic kidney disease 2. Last evaluated: 2016-01-01. Review status: criteria provided, single submitter. Criteria: ACMG Guidelines, 2015. Collection method: clinical testing. Allele origin: unknown. Affected: yes.
Comment: This variant was classified as: Pathogenic. The following ACMG criteria were applied in classifying this variant: PVS1,PM2,PP4.

NM_000297.4(PKD2):c.1857del (p.Phe619fs)

Gene: PKD2 (polycystin 2, transient receptor potential cation channel; plus strand). Cytogenetic location: 4q22.1.
Variant type: Deletion.
Coding change: c.1857del on transcript NM_000297.4 (MANE Select); coding-DNA position 1857, one base deleted (T; older notation c.1857delT).
Protein change: p.Phe619fs; shifts the reading frame from phenylalanine 619.
Molecular consequence: frameshift variant. On other transcripts: non-coding transcript variant (1).
Genome position (GRCh38, 1-based): chr4:88,056,226, T deleted; the last of 3 consecutive T bases (chr4:88,056,224-88,056,226); deleting any one gives the same sequence. VCF-style (leftmost placement, unchanged base first): chr4-88056223-CT-C. GRCh37 (hg19) VCF-style: chr4-88977375-CT-C.
Other names: short protein forms F619fs.
Identifiers: ClinVar variation 931416 (VCV000931416.3), dbSNP rs1720325511, ClinGen allele CA1139658178.
Genomic context (GRCh38, chr4:88,056,223, plus strand): 5'-TGGCTTTGCTATTATGTTCTTCATTATTTTCCTAGCGTATGCTCAGTTGGCATACCTTGT[CT>C]TTGGCACTCAGGTCGATGACTTCAGTACTTTCCAAGAGTGTATGTAAGTATATATGAAAT-3'